The following is an entry in ClinVar:

ClinVar aggregate classification (germline): Conflicting classifications of pathogenicity. Review status: criteria provided, conflicting classifications (1 of 4 stars). 3 submissions from 3 submitters: Uncertain significance (1); Likely benign (1). 1 of the submissions does not count toward it. Last evaluated 2024-02-09.

Conditions:
ALDOB-related disorder. Also called: ALDOB-related condition.
Hereditary fructosuria. Also called: ALDOB DEFICIENCY; ALDOLASE B DEFICIENCY; FRUCTOSE-1,6-BISPHOSPHATE ALDOLASE B DEFICIENCY; FRUCTOSE-1-PHOSPHATE ALDOLASE DEFICIENCY; FRUCTOSEMIA; Hereditary fructose intolerance. Identifiers: Orphanet 469, MedGen C0016751, MONDO:0009249, OMIM 229600, HP:0005973. Disease mechanism: loss of function.

Allele frequency attached by ClinVar (database versions not stated): gnomAD 0.00002; TOPMed 0.00003.
gnomAD v4.1: 41 of 1,613,982 alleles (0.0025%); highest among the groups gnomAD compares: Middle Eastern, 0.016%; 1 homozygote.

Submissions (3):

Labcorp Genetics (formerly Invitae), Labcorp
Classification: Likely benign for Hereditary fructosuria. Last evaluated: 2024-02-09. Review status: criteria provided, single submitter. Criteria: Invitae Variant Classification Sherloc (09022015). Collection method: clinical testing. Allele origin: germline.

Eurofins Ntd Llc (ga)
Classification: Uncertain significance. Last evaluated: 2017-08-11. Review status: criteria provided, single submitter. Criteria: EGL Classification Definitions 2015. Collection method: clinical testing. Allele origin: germline. Observed: 1 variant allele, 1 heterozygote.

PreventionGenetics, part of Exact Sciences
Classification: Likely benign for ALDOB-related condition. Last evaluated: 2024-08-28. Review status: no assertion criteria provided. Collection method: clinical testing. Allele origin: germline. Not counted in ClinVar's aggregate classification.
Comment: This variant is classified as likely benign based on ACMG/AMP sequence variant interpretation guidelines (Richards et al. 2015 PMID: 25741868, with internal and published modifications).

NM_000035.4(ALDOB):c.465C>T (p.Ala155=)

Gene: ALDOB (aldolase, fructose-bisphosphate B; minus strand). Cytogenetic location: 9q31.1.
Variant type: single nucleotide variant.
Coding change: c.465C>T on transcript NM_000035.4 (MANE Select); coding-DNA position 465, C replaced by T.
Protein change: p.Ala155=; no amino-acid change (alanine 155 retained).
Molecular consequence: synonymous variant.
Genome position (GRCh38, 1-based): chr9:101,427,557, G>A on the plus strand (C>T on the coding strand, the complement: ALDOB is on the minus strand). VCF-style: chr9-101427557-G-A. GRCh37 (hg19) VCF-style: chr9-104189839-G-A.
Other names: c.465C>T (NM_000035.3); c.465C>T, p.Ala155= (LRG_1244t1).
Identifiers: ClinVar variation 593607 (VCV000593607.14), dbSNP rs569981883, ClinGen allele CA5161594.